The following is an entry in ClinVar:

NM_014989.7(RIMS1):c.1385C>G (p.Pro462Arg)

Gene: RIMS1 (regulating synaptic membrane exocytosis 1; plus strand). Cytogenetic location: 6q13.
Variant type: single nucleotide variant.
Coding change: c.1385C>G on transcript NM_014989.7 (MANE Select); coding-DNA position 1385, C replaced by G.
Protein change: p.Pro462Arg; replaces proline 462 with arginine.
Molecular consequence: missense variant.
Genome position (GRCh38, 1-based): chr6:72,182,856, C>G. VCF-style: chr6-72182856-C-G. GRCh37 (hg19) VCF-style: chr6-72892559-C-G.
Other names: short protein forms P462R.
Identifiers: ClinVar variation 1513791 (VCV001513791.8), dbSNP rs560642940, ClinGen allele CA3885692.

ClinVar aggregate classification (germline): Uncertain significance (1 of 4 stars; one submission).

Allele frequency attached by ClinVar (database versions not stated): TOPMed 0.00001; gnomAD 0.00004; 1000 Genomes Project 30x 0.00062; 1000 Genomes Project 0.00080.
gnomAD v4.1: 20 of 1,557,290 alleles (0.0013%); highest among the groups gnomAD compares: South Asian, 0.018%; no homozygotes.

Submission:

Labcorp Genetics (formerly Invitae), Labcorp
Classification: Uncertain significance. Last evaluated: 2024-11-11. Review status: criteria provided, single submitter. Criteria: Invitae Variant Classification Sherloc (09022015). Collection method: clinical testing. Allele origin: germline.
Comment: This sequence change replaces proline, which is neutral and non-polar, with arginine, which is basic and polar, at codon 462 of the RIMS1 protein (p.Pro462Arg). The frequency data for this variant in the population databases is considered unreliable, as metrics indicate poor data quality at this position in the gnomAD database. This variant has not been reported in the literature in individuals affected with RIMS1-related conditions. ClinVar contains an entry for this variant (Variation ID: 1513791). An algorithm developed to predict the effect of missense changes on protein structure and function (PolyPhen-2) suggests that this variant is likely to be tolerated. In summary, the available evidence is currently insufficient to determine the role of this variant in disease. Therefore, it has been classified as a Variant of Uncertain Significance.